The following is an entry in ClinVar:

ClinVar aggregate classification (germline): Conflicting classifications of pathogenicity. Review status: criteria provided, conflicting classifications (1 of 4 stars). 3 submissions from 3 submitters: Uncertain significance (2); Likely benign (1). Last evaluated 2025-06-08.

Conditions:
Hereditary breast ovarian cancer syndrome. Also called: Hereditary breast and ovarian cancer syndrome; Hereditary breast and ovarian cancer; Hereditary breast and ovarian cancer syndrome (HBOC); Breast and ovarian cancer; Hereditary breast and/or ovarian cancer syndrome; BRCA1- and BRCA2-Associated Hereditary Breast and Ovarian Cancer. Identifiers: Orphanet 145, MedGen C0677776, MeSH D061325, MONDO:0003582. Disease mechanism: loss of function.
Hereditary cancer-predisposing syndrome. Also called: Neoplastic Syndromes, Hereditary; Tumor predisposition; Hereditary Cancer Syndrome; Hereditary neoplastic syndrome. Identifiers: Orphanet 140162, MedGen C0027672, MeSH D009386, MONDO:0015356.

Submissions (3):

Ambry Genetics
Classification: Uncertain significance for Hereditary cancer-predisposing syndrome. Last evaluated: 2025-06-08. Review status: criteria provided, single submitter. Criteria: Ambry Variant Classification Scheme 2023. Collection method: clinical testing. Allele origin: germline.
Comment: The p.S628G variant (also known as c.1882A>G), located in coding exon 9 of the BRCA1 gene, results from an A to G substitution at nucleotide position 1882. The serine at codon 628 is replaced by glycine, an amino acid with similar properties. This variant was not reported in population based cohorts in the following databases: Database of Single Nucleotide Polymorphisms (dbSNP), NHLBI Exome Sequencing Project (ESP), and 1000 Genomes Project. In the ESP, this variant was not observed in 6503 samples (13006 alleles) with coverage at this position. To date, this alteration has been detected with an allele frequency of approximately 0.0003% (greater than 300000 alleles tested) in our clinical cohort. This amino acid position is poorly conserved in available vertebrate species. In addition, the in silico prediction for this alteration is inconclusive. Since supporting evidence is limited at this time, the clinical significance of this alteration remains unclear.

University of Washington Department of Laboratory Medicine, University of Washington
Classification: Likely benign for Hereditary cancer-predisposing syndrome. Last evaluated: 2023-03-23. Review status: criteria provided, single submitter. Criteria: Dines et al. (Genet Med. 2020). Collection method: curation. Allele origin: germline.
Comment: Missense variant in a coldspot region where missense variants are very unlikely to be pathogenic (PMID:31911673).

BRCA1 coldspot (exon 11 using historical exon numbering). Reclassification based on statistical prior probability

Labcorp Genetics (formerly Invitae), Labcorp
Classification: Uncertain significance for Hereditary breast ovarian cancer syndrome. Last evaluated: 2018-02-08. Review status: criteria provided, single submitter. Criteria: Invitae Variant Classification Sherloc (09022015). Collection method: clinical testing. Allele origin: germline.
Comment: In summary, the available evidence is currently insufficient to determine the role of this variant in disease. Therefore, it has been classified as a Variant of Uncertain Significance. Algorithms developed to predict the effect of missense changes on protein structure and function (SIFT, PolyPhen-2, Align-GVGD) all suggest that this variant is likely to be tolerated, but these predictions have not been confirmed by published functional studies and their clinical significance is uncertain. This variant has not been reported in the literature in individuals with BRCA1-related disease. ClinVar contains an entry for this variant (Variation ID: 482920). This variant is not present in population databases (ExAC no frequency). This sequence change replaces serine with glycine at codon 628 of the BRCA1 protein (p.Ser628Gly). The serine residue is moderately conserved and there is a small physicochemical difference between serine and glycine.

NM_007294.4(BRCA1):c.1882A>G (p.Ser628Gly)

Gene: BRCA1 (BRCA1 DNA repair associated; minus strand). Cytogenetic location: 17q21.31.
Variant type: single nucleotide variant.
Coding change: c.1882A>G on transcript NM_007294.4 (MANE Select); coding-DNA position 1882, A replaced by G.
Protein change: p.Ser628Gly; replaces serine 628 with glycine.
Molecular consequence: missense variant. On other transcripts: intron variant (137).
Genome position (GRCh38, 1-based): chr17:43,093,649, T>C on the plus strand (A>G on the coding strand, the complement: BRCA1 is on the minus strand). VCF-style: chr17-43093649-T-C. GRCh37 (hg19) VCF-style: chr17-41245666-T-C.
Other names: c.1873A>G, p.Ser625Gly (NM_001407646.1, NM_001407647.1); c.1759A>G, p.Ser587Gly (NM_001407648.1, NM_001407664.1, NM_001407665.1 and 19 more transcripts); c.1756A>G, p.Ser586Gly (NM_001407649.1, NM_001407670.1, NM_001407671.1 and 11 more transcripts); c.1882A>G, p.Ser628Gly (NM_001407652.1, NM_001407684.1, NM_001407854.1 and 30 more transcripts); c.1804A>G, p.Ser602Gly (NM_001407653.1, NM_001407654.1, NM_001407655.1 and 4 more transcripts); c.1801A>G, p.Ser601Gly (NM_001407659.1, NM_001407660.1, NM_001407661.1 and 1 more transcripts); c.1741A>G, p.Ser581Gly (NM_001407692.1, NM_001407694.1, NM_001407695.1 and 29 more transcripts); c.1738A>G, p.Ser580Gly (NM_001407740.1, NM_001407741.1, NM_001407742.1 and 20 more transcripts); and 40 more; short protein forms S628G, S581G, S539G, S560G, S625G, S627G, S500G, S517G.
Identifiers: ClinVar variation 482920 (VCV000482920.17), dbSNP rs1555591000, ClinGen allele CA10598258.